The following is an entry in ClinVar:

ClinVar aggregate classification (germline): Uncertain significance. Review status: criteria provided, multiple submitters, no conflicts (2 of 4 stars). 4 submissions from 4 submitters: Uncertain significance (3). 1 of the submissions does not count toward it. Last evaluated 2024-10-23.

Conditions:
Short-rib thoracic dysplasia 10 with or without polydactyly (SRTD10). Identifiers: Orphanet 474, MedGen C3810175, MONDO:0014284, OMIM 615630.
Retinitis pigmentosa 71 (RP71). Identifiers: Orphanet 791, MedGen C4225342, MONDO:0014618, OMIM 616394.
Bardet-Biedl syndrome 20. Identifiers: MedGen C4310707, MONDO:0023670, OMIM 619471, MONDO:0014926.
IFT172-related disorder. Also called: IFT172-related condition; IFT172-related disorders.

Allele frequency attached by ClinVar (database versions not stated): gnomAD exomes 0.00002 and 0.00003; TOPMed 0.00002; ExAC 0.00002; gnomAD 0.00004 and 0.00003.
gnomAD v4.1: 51 of 1,614,028 alleles (0.0032%); highest among the groups gnomAD compares: Non-Finnish European, 0.0043%; no homozygotes.

Submissions (4):

Labcorp Genetics (formerly Invitae), Labcorp
Classification: Uncertain significance for Retinitis pigmentosa 71; Short-rib thoracic dysplasia 10 with or without polydactyly. Last evaluated: 2024-10-23. Review status: criteria provided, single submitter. Criteria: Invitae Variant Classification Sherloc (09022015). Collection method: clinical testing. Allele origin: germline.
Comment: This sequence change replaces threonine, which is neutral and polar, with alanine, which is neutral and non-polar, at codon 1623 of the IFT172 protein (p.Thr1623Ala). This variant is present in population databases (rs750991615, gnomAD 0.005%). This variant has not been reported in the literature in individuals affected with IFT172-related conditions. ClinVar contains an entry for this variant (Variation ID: 1036167). Invitae Evidence Modeling of protein sequence and biophysical properties (such as structural, functional, and spatial information, amino acid conservation, physicochemical variation, residue mobility, and thermodynamic stability) has been performed for this missense variant. However, the output from this modeling did not meet the statistical confidence thresholds required to predict the impact of this variant on IFT172 protein function. In summary, the available evidence is currently insufficient to determine the role of this variant in disease. Therefore, it has been classified as a Variant of Uncertain Significance.

Fulgent Genetics
Classification: Uncertain significance for Short-rib thoracic dysplasia 10 with or without polydactyly; Retinitis pigmentosa 71; Bardet-Biedl syndrome 20. Last evaluated: 2024-03-29. Review status: criteria provided, single submitter. Criteria: ACMG Guidelines, 2015. Collection method: clinical testing. Allele origin: germline.

Blueprint Genetics
Classification: Uncertain significance. Last evaluated: 2024-02-21. Review status: criteria provided, single submitter. Criteria: ACMG Guidelines, 2015. Collection method: clinical testing. Allele origin: germline.

PreventionGenetics, part of Exact Sciences
Classification: Uncertain significance for IFT172-related condition. Last evaluated: 2024-03-22. Review status: no assertion criteria provided. Collection method: clinical testing. Allele origin: germline. Not counted in ClinVar's aggregate classification.
Comment: The IFT172 c.4867A>G variant is predicted to result in the amino acid substitution p.Thr1623Ala. To our knowledge, this variant has not been reported in the literature. This variant is reported in 0.0053% of alleles in individuals of European (Non-Finnish) descent in gnomAD. At this time, the clinical significance of this variant is uncertain due to the absence of conclusive functional and genetic evidence.

NM_015662.3(IFT172):c.4867A>G (p.Thr1623Ala)

Genes: KRTCAP3 (keratinocyte associated protein 3; plus strand), IFT172 (intraflagellar transport 172; minus strand). Cytogenetic location: 2p23.3.
Variant type: single nucleotide variant.
Coding change: c.4867A>G on transcript NM_015662.3 (MANE Select); coding-DNA position 4867, A replaced by G.
Protein change: p.Thr1623Ala; replaces threonine 1623 with alanine.
Molecular consequence: missense variant. On other transcripts: intron variant (1).
Genome position (GRCh38, 1-based): chr2:27,445,792, T>C on the plus strand (A>G on the coding strand, the complement: IFT172 is on the minus strand). VCF-style: chr2-27445792-T-C. GRCh37 (hg19) VCF-style: chr2-27668659-T-C.
Other names: c.4801A>G, p.Thr1601Ala (NM_001410739.1); c.*6-509T>C (NM_001168364.2); c.4867A>G (NM_015662.2); short protein forms T1623A, T1601A.
Identifiers: ClinVar variation 1036167 (VCV001036167.13), dbSNP rs750991615, ClinGen allele CA1579442.
Genomic context (GRCh38, chr2:27,445,792, plus strand): 5'-CCTGTGCCCTTACCGGTACATGCTGCTTAGCTGGGAGTGGCACCTCAAAGGGAATGTCTG[T>C]ATCCTGAAAATCAGAGTGGTCAAGGCCATCTAGAGTCCCTTCCTCGATTGCCTGCAGTAG-3'
Protein context (NP_056477.1, residues 1613-1633): DGLDHSDFQD[Thr1623Ala]DIPFEVPLPA